The following is an entry in ClinVar:

ClinVar aggregate classification (germline): Uncertain significance (1 of 4 stars; one submission).

Conditions:
Hereditary cancer-predisposing syndrome. Also called: Neoplastic Syndromes, Hereditary; Tumor predisposition; Hereditary neoplastic syndrome; Hereditary Cancer Syndrome. Identifiers: Orphanet 140162, MedGen C0027672, MeSH D009386, MONDO:0015356.

gnomAD v4.1: 1 of 1,608,892 alleles (0.000062%); highest among the groups gnomAD compares: Non-Finnish European, 0.000085%; no homozygotes.

Submission:

Ambry Genetics
Classification: Uncertain significance for Hereditary cancer-predisposing syndrome. Last evaluated: 2026-08-20. Review status: criteria provided, single submitter. Criteria: Ambry Variant Classification Scheme 2023. Collection method: clinical testing. Allele origin: germline.
Comment: The p.N143K variant (also known as c.429T>G), located in coding exon 6 of the POLE gene, results from a T to G substitution at nucleotide position 429. The asparagine at codon 143 is replaced by lysine, an amino acid with similar properties. This amino acid position is conserved. In addition, this alteration is predicted to be tolerated by in silico analysis. Based on the available evidence, the clinical significance of this variant remains unclear.

NM_006231.4(POLE):c.429T>G (p.Asn143Lys)

Gene: POLE (DNA polymerase epsilon, catalytic subunit; minus strand). Cytogenetic location: 12q24.33.
Variant type: single nucleotide variant.
Coding change: c.429T>G on transcript NM_006231.4 (MANE Select); coding-DNA position 429, T replaced by G.
Protein change: p.Asn143Lys; replaces asparagine 143 with lysine.
Molecular consequence: missense variant.
Genome position (GRCh38, 1-based): chr12:132,679,646, A>C on the plus strand (T>G on the coding strand, the complement: POLE is on the minus strand). VCF-style: chr12-132679646-A-C. GRCh37 (hg19) VCF-style: chr12-133256232-A-C.
Other names: short protein forms N143K.
Identifiers: ClinVar variation 5027118 (VCV005027118.1).